The following is an entry in ClinVar:

NM_014629.4(ARHGEF10):c.3335C>T (p.Thr1112Met)

Gene: ARHGEF10 (Rho guanine nucleotide exchange factor 10; plus strand). Cytogenetic location: 8p23.3.
Variant type: single nucleotide variant.
Coding change: c.3335C>T on transcript NM_014629.4 (MANE Select); coding-DNA position 3335, C replaced by T.
Protein change: p.Thr1112Met; replaces threonine 1112 with methionine.
Molecular consequence: missense variant.
Genome position (GRCh38, 1-based): chr8:1,945,593, C>T. VCF-style: chr8-1945593-C-T. GRCh37 (hg19) VCF-style: chr8-1893759-C-T.
Other names: c.3221C>T, p.Thr1074Met (NM_001308152.2); c.3335C>T, p.Thr1112Met (NM_001308153.3); short protein forms T1136M, T1074M, T1112M.
Identifiers: ClinVar variation 2599095 (VCV002599095.4), dbSNP rs772205292, ClinGen allele CA4601304.
Genomic context (GRCh38, chr8:1,945,593, plus strand): 5'-TGTCCGGCGTCGGGATCTGGATTGCCTTCACCTCAGGGTCCACGCTCCGCCTTTTTCACA[C>T]GGAAACTCTCAAGCACCTGCAGGACATCAACATCGCCACCCCTGTTCACAACATGCTGCC-3'
Protein context (NP_055444.2, residues 1102-1122): TSGSTLRLFH[Thr1112Met]ETLKHLQDIN

ClinVar aggregate classification (germline): Uncertain significance. Review status: criteria provided, multiple submitters, no conflicts (2 of 4 stars). 2 submissions from 2 submitters: Uncertain significance (2). Last evaluated 2024-07-19.

Allele frequency attached by ClinVar (database versions not stated): gnomAD 0.00003; TOPMed 0.00004; ExAC 0.00007.
gnomAD v4.1: 37 of 1,614,218 alleles (0.0023%); highest among the groups gnomAD compares: East Asian, 0.047%; no homozygotes.

Submissions (2):

Labcorp Genetics (formerly Invitae), Labcorp
Classification: Uncertain significance. Last evaluated: 2024-07-19. Review status: criteria provided, single submitter. Criteria: Invitae Variant Classification Sherloc (09022015). Collection method: clinical testing. Allele origin: germline.
Comment: This sequence change replaces threonine, which is neutral and polar, with methionine, which is neutral and non-polar, at codon 1112 of the ARHGEF10 protein (p.Thr1112Met). This variant is present in population databases (rs772205292, gnomAD 0.09%), and has an allele count higher than expected for a pathogenic variant. This variant has not been reported in the literature in individuals affected with ARHGEF10-related conditions. ClinVar contains an entry for this variant (Variation ID: 2599095). Advanced modeling of protein sequence and biophysical properties (such as structural, functional, and spatial information, amino acid conservation, physicochemical variation, residue mobility, and thermodynamic stability) performed at Invitae indicates that this missense variant is not expected to disrupt ARHGEF10 protein function with a negative predictive value of 80%. In summary, the available evidence is currently insufficient to determine the role of this variant in disease. Therefore, it has been classified as a Variant of Uncertain Significance.

Ambry Genetics
Classification: Uncertain significance. Last evaluated: 2023-06-28. Review status: criteria provided, single submitter. Criteria: Ambry Variant Classification Scheme 2023. Collection method: clinical testing. Allele origin: germline.